The following is an entry in ClinVar:

NM_033380.3(COL4A5):c.1990A>T (p.Lys664Ter)

Gene: COL4A5 (collagen type IV alpha 5 chain; plus strand). Cytogenetic location: Xq22.3.
Variant type: single nucleotide variant.
Coding change: c.1990A>T on transcript NM_033380.3 (MANE Select); coding-DNA position 1990, A replaced by T.
Protein change: p.Lys664Ter; replaces lysine 664 with a stop codon.
Molecular consequence: nonsense.
Genome position (GRCh38, 1-based): chrX:108,601,434, A>T. VCF-style: chrX-108601434-A-T. GRCh37 (hg19) VCF-style: chrX-107844664-A-T.
Other names: c.1990A>T, p.Lys664Ter (NM_000495.5); short protein forms K664*.
Identifiers: ClinVar variation 2499149 (VCV002499149.28), dbSNP rs2524325627, ClinGen allele CA413846780.
Genomic context (GRCh38, chrX:108,601,434, plus strand): 5'-GATTTACTCTTGCTTTCAGGTCCTAAAGGGGATCCAGGTCAGACTATAACCCAGCCGGGG[A>T]AGCCTGGCTTGCCTGGTAACCCAGGCAGAGATGGTGATGTAGGTCTTCCAGGTATGTGAG-3'

ClinVar aggregate classification (germline): Pathogenic (1 of 4 stars; one submission).

Submission:

CeGaT Center for Human Genetics Tuebingen
Classification: Pathogenic. Last evaluated: 2023-02-01. Review status: criteria provided, single submitter. Criteria: CeGaT Center For Human Genetics Tuebingen Variant Classification Criteria Version 2. Collection method: clinical testing. Allele origin: germline. Affected: yes. Observed: 1 variant allele.
Comment: COL4A5: PVS1, PM2